The following is an entry in ClinVar:

ClinVar aggregate classification (germline): Benign (0 of 4 stars; one submission).

Conditions:
CDH4-related disorder. Also called: CDH4-related condition.

Allele frequency attached by ClinVar (database versions not stated): gnomAD exomes 0.00032; gnomAD 0.00064; TOPMed 0.00073; ExAC 0.00132; 1000 Genomes Project 0.00339; 1000 Genomes Project 30x 0.00359.
gnomAD v4.1: 564 of 1,613,954 alleles (0.035%); highest among the groups gnomAD compares: East Asian, 1.1%; 6 homozygotes.

Submission:

PreventionGenetics, part of Exact Sciences
Classification: Benign for CDH4-related condition. Last evaluated: 2019-05-28. Review status: no assertion criteria provided. Collection method: clinical testing. Allele origin: germline.
Comment: This variant is classified as benign based on ACMG/AMP sequence variant interpretation guidelines (Richards et al. 2015 PMID: 25741868, with internal and published modifications).

NM_001794.5(CDH4):c.1242G>A (p.Thr414=)

Gene: CDH4 (cadherin 4; plus strand). Cytogenetic location: 20q13.33.
Variant type: single nucleotide variant.
Coding change: c.1242G>A on transcript NM_001794.5 (MANE Select); coding-DNA position 1242, G replaced by A.
Protein change: p.Thr414=; no amino-acid change (threonine 414 retained).
Molecular consequence: synonymous variant.
Genome position (GRCh38, 1-based): chr20:61,910,475, G>A. VCF-style: chr20-61910475-G-A. GRCh37 (hg19) VCF-style: chr20-60485531-G-A.
Other names: c.1131G>A, p.Thr377= (NM_001252338.2); c.1020G>A, p.Thr340= (NM_001252339.3).
Identifiers: ClinVar variation 3039416 (VCV003039416.2), dbSNP rs141026097, ClinGen allele CA9934672.